The following is an entry in ClinVar:

ClinVar aggregate classification (germline): Pathogenic. Review status: criteria provided, multiple submitters, no conflicts (2 of 4 stars). 3 submissions from 3 submitters: Pathogenic (3). Last evaluated 2025-11-17.

Conditions:
COL4A5-related disorders.
X-linked Alport syndrome (ATS1). Also called: COL4A5-Related Nephropathy; NEPHROPATHY AND DEAFNESS, X-LINKED. Identifiers: Orphanet 63, Orphanet 88917, MedGen C4746986, MONDO:0010520, OMIM 301050.

Submissions (3):

Myriad Genetics, Inc.
Classification: Pathogenic for X-linked Alport syndrome. Last evaluated: 2025-11-17. Review status: criteria provided, single submitter. Criteria: Myriad Autosomal Dominant, Autosomal Recessive and X-Linked Classification Criteria (2023). Collection method: clinical testing. Allele origin: unknown.
Comment: NM_000495.4(COL4A5):c.2509G>A(G837S) is a missense variant classified as pathogenic in the context of X-linked Alport syndrome. G837S has been observed in cases with relevant disease (PMID: 29854973, 30577881). Relevant functional assessments of this variant are available in the literature (PMID: 35005319). Internal structural analysis of the variant is supportive of pathogenicity. G837S has not been observed in referenced population frequency databases. In summary, NM_000495.4(COL4A5):c.2509G>A(G837S) is a missense variant that has internal structural support for pathogenicity and has been observed more frequently in cases with the relevant disease than in healthy populations. Please note: this variant was assessed in the context of healthy population screening.

Fulgent Genetics
Classification: Pathogenic for X-linked Alport syndrome. Last evaluated: 2024-05-09. Review status: criteria provided, single submitter. Criteria: ACMG Guidelines, 2015. Collection method: clinical testing. Allele origin: germline.

Blueprint Genetics
Classification: Pathogenic for COL4A5-related disorders. Last evaluated: 2023-06-02. Review status: criteria provided, single submitter. Criteria: ACMG Guidelines, 2015. Collection method: clinical testing. Allele origin: germline. Affected: yes. Observed: 2 variant alleles.

Literature cited by the submitters: PubMed 29854973 (cited by Myriad Genetics, Inc.); PubMed 30577881 (cited by Myriad Genetics, Inc.); PubMed 35005319 (cited by Myriad Genetics, Inc.).

NM_033380.3(COL4A5):c.2509G>A (p.Gly837Ser)

Gene: COL4A5 (collagen type IV alpha 5 chain; plus strand). Cytogenetic location: Xq22.3.
Variant type: single nucleotide variant.
Coding change: c.2509G>A on transcript NM_033380.3 (MANE Select); coding-DNA position 2509, G replaced by A.
Protein change: p.Gly837Ser; replaces glycine 837 with serine.
Molecular consequence: missense variant.
Genome position (GRCh38, 1-based): chrX:108,615,024, G>A. VCF-style: chrX-108615024-G-A. GRCh37 (hg19) VCF-style: chrX-107858254-G-A.
Other names: c.2509G>A, p.Gly837Ser (NM_000495.5); short protein forms G837S.
Identifiers: ClinVar variation 3597931 (VCV003597931.3), dbSNP rs104886185.
Genomic context (GRCh38, chrX:108,615,024, plus strand): 5'-GGAATAGGTGTTCAGGGACCACCAGGACCACCAGGGATTCCTGGGCCAATAGGTCAACCT[G>A]GTAAGATTAGAGTAAATGTGCATTTTGTAGCACTCATAATATATACATTTGTTAGCTCAT-3'
Protein context (NP_203699.1, residues 827-847): PGIPGPIGQP[Gly837Ser]LHGIPGEKGD